The following is an entry in ClinVar:

ClinVar aggregate classification (germline): Likely benign. Review status: criteria provided, multiple submitters, no conflicts (2 of 4 stars). 2 submissions from 2 submitters: Likely benign (2). Last evaluated 2025-08-01.

gnomAD v4.1: 432 of 1,613,280 alleles (0.027%); highest among the groups gnomAD compares: Non-Finnish European, 0.019%; no homozygotes.

Submissions (2):

CeGaT Center for Human Genetics Tuebingen
Classification: Likely benign. Last evaluated: 2025-08-01. Review status: criteria provided, single submitter. Criteria: CeGaT Center For Human Genetics Tuebingen Variant Classification Criteria Version 2. Collection method: clinical testing. Allele origin: germline. Affected: yes. Observed: 1 variant allele.
Comment: ZNF292: BP4

Blueprint Genetics
Classification: Likely benign. Last evaluated: 2024-09-23. Review status: criteria provided, single submitter. Criteria: ACMG Guidelines, 2015. Collection method: clinical testing. Allele origin: germline.

NM_015021.3(ZNF292):c.6904A>G (p.Met2302Val)

Gene: ZNF292 (zinc finger protein 292; plus strand). Cytogenetic location: 6q14.3.
Variant type: single nucleotide variant.
Coding change: c.6904A>G on transcript NM_015021.3 (MANE Select); coding-DNA position 6904, A replaced by G.
Protein change: p.Met2302Val; replaces methionine 2302 with valine.
Molecular consequence: missense variant.
Genome position (GRCh38, 1-based): chr6:87,260,533, A>G. VCF-style: chr6-87260533-A-G. GRCh37 (hg19) VCF-style: chr6-87970251-A-G.
Other names: c.6484A>G, p.Met2162Val (NM_001351444.2); short protein forms M2162V, M2302V.
Identifiers: ClinVar variation 4083796 (VCV004083796.9).
Genomic context (GRCh38, chr6:87,260,533, plus strand): 5'-AATGACAAACATAAGGCTCATTTGATTCGTCCAAGAAGATTAACACCAGGCCAGGAAAAT[A>G]TGTCAAGCAAGGCAAACCAAGAAAAATCAAAGTCTAAACATCGGGGGACCAAGCACAGCA-3'
Protein context (NP_055836.1, residues 2292-2312): PRRLTPGQEN[Met2302Val]SSKANQEKSK